The following is an entry in ClinVar:

ClinVar aggregate classification (germline): Uncertain significance (1 of 4 stars; one submission).

Conditions:
Mucopolysaccharidosis type 7 (MPS7). Also called: GUSB DEFICIENCY; SLY SYNDROME; MPS VII; BETA-GLUCURONIDASE DEFICIENCY. Identifiers: Orphanet 584, MedGen C0085132, MONDO:0009662, OMIM 253220.

Allele frequency attached by ClinVar (database versions not stated): gnomAD 0.00001; TOPMed 0.00001.
gnomAD v4.1: 20 of 1,613,764 alleles (0.0012%); highest among the groups gnomAD compares: South Asian, 0.0022%; no homozygotes.

Submission:

Labcorp Genetics (formerly Invitae), Labcorp
Classification: Uncertain significance for Mucopolysaccharidosis type 7. Last evaluated: 2022-10-13. Review status: criteria provided, single submitter. Criteria: Invitae Variant Classification Sherloc (09022015). Collection method: clinical testing. Allele origin: germline.
Comment: This sequence change replaces valine, which is neutral and non-polar, with methionine, which is neutral and non-polar, at codon 270 of the GUSB protein (p.Val270Met). This variant is present in population databases (no rsID available, gnomAD 0.006%). This variant has not been reported in the literature in individuals affected with GUSB-related conditions. Advanced modeling of protein sequence and biophysical properties (such as structural, functional, and spatial information, amino acid conservation, physicochemical variation, residue mobility, and thermodynamic stability) performed at Invitae indicates that this missense variant is not expected to disrupt GUSB protein function. In summary, the available evidence is currently insufficient to determine the role of this variant in disease. Therefore, it has been classified as a Variant of Uncertain Significance.

NM_000181.4(GUSB):c.808G>A (p.Val270Met)

Gene: GUSB (glucuronidase beta; minus strand). Cytogenetic location: 7q11.21.
Variant type: single nucleotide variant.
Coding change: c.808G>A on transcript NM_000181.4 (MANE Select); coding-DNA position 808, G replaced by A.
Protein change: p.Val270Met; replaces valine 270 with methionine.
Molecular consequence: missense variant. On other transcripts: non-coding transcript variant (1), intron variant (1).
Genome position (GRCh38, 1-based): chr7:65,976,119, C>T on the plus strand (G>A on the coding strand, the complement: GUSB is on the minus strand). VCF-style: chr7-65976119-C-T. GRCh37 (hg19) VCF-style: chr7-65441106-C-T.
Other names: c.238G>A, p.Val80Met (NM_001293104.2); c.151G>A, p.Val51Met (NM_001293105.2); c.475-1048G>A (NM_001284290.2); short protein forms V80M, V270M, V51M.
Identifiers: ClinVar variation 2061032 (VCV002061032.1), dbSNP rs1347468886, ClinGen allele CA367646479.